The following is an entry in ClinVar:

NM_015311.3(OBSL1):c.3816C>T (p.Pro1272=)

Gene: OBSL1 (obscurin like cytoskeletal adaptor 1; minus strand). Cytogenetic location: 2q35.
Variant type: single nucleotide variant.
Coding change: c.3816C>T on transcript NM_015311.3 (MANE Select); coding-DNA position 3816, C replaced by T.
Protein change: p.Pro1272=; no amino-acid change (proline 1272 retained).
Molecular consequence: synonymous variant.
Genome position (GRCh38, 1-based): chr2:219,557,593, G>A on the plus strand (C>T on the coding strand, the complement: OBSL1 is on the minus strand). VCF-style: chr2-219557593-G-A. GRCh37 (hg19) VCF-style: chr2-220422315-G-A.
Other names: c.3816C>T, p.Pro1272= (NM_001173431.2).
Identifiers: ClinVar variation 334492 (VCV000334492.37), dbSNP rs200349173, ClinGen allele CA2130738.

ClinVar aggregate classification (germline): Benign/Likely benign. Review status: criteria provided, multiple submitters, no conflicts (2 of 4 stars). 3 submissions from 3 submitters: Benign (1); Likely benign (2). Last evaluated 2026-01-28.

Conditions:
3M syndrome 2. Also called: 3-M Syndrome, OBSL1-Related; THREE M SYNDROME 2. Identifiers: Orphanet 2616, MedGen C2752041, MONDO:0013039, OMIM 612921.

Allele frequency attached by ClinVar (database versions not stated): 1000 Genomes Project 30x 0.00078; 1000 Genomes Project 0.00080; TOPMed 0.00097; ESP Exome Variant Server 0.00129; gnomAD 0.00261 and 0.00270; gnomAD exomes 0.00276; ExAC 0.00403.
gnomAD v4.1: 3,311 of 1,545,946 alleles (0.21%); highest among the groups gnomAD compares: Non-Finnish European, 0.19%; 13 homozygotes.

Submissions (3):

Labcorp Genetics (formerly Invitae), Labcorp
Classification: Benign. Last evaluated: 2026-01-28. Review status: criteria provided, single submitter. Criteria: Invitae Variant Classification Sherloc (09022015). Collection method: clinical testing. Allele origin: germline.

CeGaT Center for Human Genetics Tuebingen
Classification: Likely benign. Last evaluated: 2023-01-01. Review status: criteria provided, single submitter. Criteria: CeGaT Center For Human Genetics Tuebingen Variant Classification Criteria Version 2. Collection method: clinical testing. Allele origin: germline. Affected: yes. Observed: 3 variant alleles.
Comment: OBSL1: BP4, BP7, BS2

Illumina Laboratory Services, Illumina
Classification: Likely benign for 3M syndrome 2. Last evaluated: 2018-01-12. Review status: criteria provided, single submitter. Criteria: ICSL Variant Classification Criteria 13 December 2019. Collection method: clinical testing. Allele origin: germline.
Comment: This variant was observed in the ICSL laboratory as part of a predisposition screen in an ostensibly healthy population. It had not been previously curated by ICSL or reported in the Human Gene Mutation Database (HGMD: prior to June 1st, 2018), and was therefore a candidate for classification through an automated scoring system. Utilizing variant allele frequency, disease prevalence and penetrance estimates, and inheritance mode, an automated score was calculated to assess if this variant is too frequent to cause the disease. Based on the score and internal cut-off values, a variant classified as likely benign is not then subjected to further curation. The score for this variant resulted in a classification of likely benign for this disease.